The following is an entry in ClinVar:

ClinVar aggregate classification (germline): Uncertain significance (1 of 4 stars; one submission).

Submission:

GeneDx
Classification: Uncertain significance. Last evaluated: 2024-04-01. Review status: criteria provided, single submitter. Criteria: GeneDx Variant Classification Process June 2021. Collection method: clinical testing. Allele origin: germline. Affected: yes.
Comment: Not observed at significant frequency in large population cohorts (gnomAD); In silico analysis supports that this missense variant has a deleterious effect on protein structure/function; Has not been previously published as pathogenic or benign to our knowledge

NM_001429.4(EP300):c.1219A>C (p.Thr407Pro)

Gene: EP300 (E1A binding protein p300; plus strand). Cytogenetic location: 22q13.2.
Variant type: single nucleotide variant.
Coding change: c.1219A>C on transcript NM_001429.4 (MANE Select); coding-DNA position 1219, A replaced by C.
Protein change: p.Thr407Pro; replaces threonine 407 with proline.
Molecular consequence: missense variant.
Genome position (GRCh38, 1-based): chr22:41,129,940, A>C. VCF-style: chr22-41129940-A-C. GRCh37 (hg19) VCF-style: chr22-41525944-A-C.
Other names: c.1219A>C, p.Thr407Pro (NM_001362843.2); short protein forms T407P.
Identifiers: ClinVar variation 3371981 (VCV003371981.1).